The following is an entry in ClinVar:

NM_001365951.3(KIF1B):c.4904G>T (p.Cys1635Phe)

Gene: KIF1B (kinesin family member 1B; plus strand). Cytogenetic location: 1p36.22.
Variant type: single nucleotide variant.
Coding change: c.4904G>T on transcript NM_001365951.3 (MANE Select); coding-DNA position 4904, G replaced by T.
Protein change: p.Cys1635Phe; replaces cysteine 1635 with phenylalanine.
Molecular consequence: missense variant.
Genome position (GRCh38, 1-based): chr1:10,371,220, G>T. VCF-style: chr1-10371220-G-T. GRCh37 (hg19) VCF-style: chr1-10431278-G-T.
Other names: c.4904G>T, p.Cys1635Phe (NM_001365952.1); c.4766G>T, p.Cys1589Phe (NM_015074.3); short protein forms C1589F, C1635F.
Identifiers: ClinVar variation 840568 (VCV000840568.12), dbSNP rs142714491, ClinGen allele CA582214.

ClinVar aggregate classification (germline): Uncertain significance. Review status: criteria provided, multiple submitters, no conflicts (2 of 4 stars). 2 submissions from 2 submitters: Uncertain significance (2). Last evaluated 2025-08-23.

Conditions:
Charcot-Marie-Tooth disease type 2. Also called: Charcot-Marie-Tooth type 2. Identifiers: Orphanet 64746, MedGen C0270914, MONDO:0018993.

Allele frequency attached by ClinVar (database versions not stated): TOPMed 0.00001; ESP Exome Variant Server 0.00008; ExAC 0.00001.

Submissions (2):

Ambry Genetics
Classification: Uncertain significance. Last evaluated: 2025-08-23. Review status: criteria provided, single submitter. Criteria: Ambry Variant Classification Scheme 2023. Collection method: clinical testing. Allele origin: germline.
Comment: The p.C1589F variant (also known as c.4766G>T), located in coding exon 42 of the KIF1B gene, results from a G to T substitution at nucleotide position 4766. The cysteine at codon 1589 is replaced by phenylalanine, an amino acid with highly dissimilar properties. This amino acid position is conserved. In addition, the in silico prediction for this alteration is inconclusive. Since supporting evidence is limited at this time, the clinical significance of this alteration remains unclear.

Labcorp Genetics (formerly Invitae), Labcorp
Classification: Uncertain significance for Charcot-Marie-Tooth disease type 2. Last evaluated: 2022-07-06. Review status: criteria provided, single submitter. Criteria: Invitae Variant Classification Sherloc (09022015). Collection method: clinical testing. Allele origin: germline.
Comment: This sequence change replaces cysteine, which is neutral and slightly polar, with phenylalanine, which is neutral and non-polar, at codon 1589 of the KIF1B protein (p.Cys1589Phe). This variant is present in population databases (rs142714491, gnomAD 0.002%). This variant has not been reported in the literature in individuals affected with KIF1B-related conditions. ClinVar contains an entry for this variant (Variation ID: 840568). Algorithms developed to predict the effect of missense changes on protein structure and function are either unavailable or do not agree on the potential impact of this missense change (SIFT: "Deleterious"; PolyPhen-2: "Probably Damaging"; Align-GVGD: "Class C0"). In summary, the available evidence is currently insufficient to determine the role of this variant in disease. Therefore, it has been classified as a Variant of Uncertain Significance.